The following is an entry in ClinVar:

ClinVar aggregate classification (germline): Uncertain significance (1 of 4 stars; one submission).

Allele frequency attached by ClinVar (database versions not stated): gnomAD exomes below 0.00001.
gnomAD v4.1: 2 of 1,614,170 alleles (0.00012%); highest among the groups gnomAD compares: Non-Finnish European, 0.00017%; no homozygotes.

Submission:

Labcorp Genetics (formerly Invitae), Labcorp
Classification: Uncertain significance. Last evaluated: 2026-01-25. Review status: criteria provided, single submitter. Criteria: Invitae Variant Classification Sherloc (09022015). Collection method: clinical testing. Allele origin: germline.
Comment: This sequence change replaces tryptophan, which is neutral and slightly polar, with cysteine, which is neutral and slightly polar, at codon 831 of the VAV1 protein (p.Trp831Cys). This variant is not present in population databases (gnomAD no frequency). This variant has not been reported in the literature in individuals affected with VAV1-related conditions. ClinVar contains an entry for this variant (Variation ID: 2969466). An algorithm developed to predict the effect of missense changes on protein structure and function (PolyPhen-2) suggests that this variant is likely to be disruptive. In summary, the available evidence is currently insufficient to determine the role of this variant in disease. Therefore, it has been classified as a Variant of Uncertain Significance.

NM_005428.4(VAV1):c.2493G>C (p.Trp831Cys)

Gene: VAV1 (vav guanine nucleotide exchange factor 1; plus strand). Cytogenetic location: 19p13.3.
Variant type: single nucleotide variant.
Coding change: c.2493G>C on transcript NM_005428.4 (MANE Select); coding-DNA position 2493, G replaced by C.
Protein change: p.Trp831Cys; replaces tryptophan 831 with cysteine.
Molecular consequence: missense variant.
Genome position (GRCh38, 1-based): chr19:6,857,062, G>C. VCF-style: chr19-6857062-G-C. GRCh37 (hg19) VCF-style: chr19-6857073-G-C.
Other names: c.2427G>C, p.Trp809Cys (NM_001258206.2); c.2397G>C, p.Trp799Cys (NM_001258207.2); short protein forms W831C, W799C, W809C.
Identifiers: ClinVar variation 2969466 (VCV002969466.3), dbSNP rs1972821519, ClinGen allele CA403638866.